The following is an entry in ClinVar:

NM_000781.3(CYP11A1):c.378G>A (p.Trp126Ter)

Gene: CYP11A1 (cytochrome P450 family 11 subfamily A member 1; minus strand). Cytogenetic location: 15q24.1.
Variant type: single nucleotide variant.
Coding change: c.378G>A on transcript NM_000781.3 (MANE Select); coding-DNA position 378, G replaced by A.
Protein change: p.Trp126Ter; replaces tryptophan 126 with a stop codon.
Molecular consequence: nonsense. On other transcripts: 5 prime UTR variant (1).
Genome position (GRCh38, 1-based): chr15:74,347,947, C>T on the plus strand (G>A on the coding strand, the complement: CYP11A1 is on the minus strand). VCF-style: chr15-74347947-C-T. GRCh37 (hg19) VCF-style: chr15-74640288-C-T.
Other names: c.-97G>A (NM_001099773.2); short protein forms W126*.
Identifiers: ClinVar variation 5014188 (VCV005014188.1).

ClinVar aggregate classification (germline): Pathogenic (1 of 4 stars; one submission).

Conditions:
Congenital adrenal insufficiency with 46, XY sex reversal OR 46,XY disorder of sex development-adrenal insufficiency due to CYP11A1 deficiency. Also called: P450scc DEFICIENCY; Congenital adrenal insuffiency with 46, XY sex reversal OR 46,XY disorder of sex development-adrenal insufficiency due to CYP11A1 deficiency. Identifiers: Orphanet 168558, MedGen C3151055, MONDO:0013400, OMIM 613743.

Submission:

Myriad Genetics, Inc.
Classification: Pathogenic for Congenital adrenal insufficiency with 46, XY sex reversal OR 46,XY disorder of sex development-adrenal insufficiency due to CYP11A1 deficiency. Last evaluated: 2025-03-07. Review status: criteria provided, single submitter. Criteria: Myriad Autosomal Dominant, Autosomal Recessive and X-Linked Classification Criteria (2023). Collection method: clinical testing. Allele origin: unknown.
Comment: NM_000781.2(CYP11A1):c.378G>A(W126*) is expected to be pathogenic in the context of congenital adrenal hyperplasia, CYP11A1-related. This variant is predicted to lead to an abnormal or absent protein product due to the creation of a premature termination codon in CYP11A1, a gene where loss-of-function variants are known to be pathogenic. Please note: this variant was assessed in the context of healthy population screening.